The following is an entry in ClinVar:

ClinVar aggregate classification (germline): Conflicting classifications of pathogenicity. Review status: criteria provided, conflicting classifications (1 of 4 stars). 4 submissions from 4 submitters: Pathogenic (1); Uncertain significance (3). Last evaluated 2024-11-08.

Conditions:
Hereditary breast ovarian cancer syndrome. Also called: Hereditary breast and ovarian cancer syndrome (HBOC); Hereditary breast and ovarian cancer; BRCA1- and BRCA2-Associated Hereditary Breast and Ovarian Cancer; Breast and ovarian cancer; Hereditary breast and ovarian cancer syndrome; Hereditary breast and/or ovarian cancer syndrome. Identifiers: Orphanet 145, MedGen C0677776, MeSH D061325, MONDO:0003582. Disease mechanism: loss of function.
Hereditary cancer-predisposing syndrome. Also called: Hereditary neoplastic syndrome; Tumor predisposition; Hereditary Cancer Syndrome; Neoplastic Syndromes, Hereditary. Identifiers: Orphanet 140162, MedGen C0027672, MeSH D009386, MONDO:0015356.

Submissions (5):

Quest Diagnostics Nichols Institute San Juan Capistrano
Classification: Uncertain significance. Last evaluated: 2024-11-08. Review status: criteria provided, single submitter. Criteria: Quest Diagnostics criteria. Collection method: clinical testing. Allele origin: unknown.
Comment: The BRCA1 c.5201T>G (p.Phe1734Cys) variant has been reported in the published literature to result in loss of functional activity in one experimental study (PMID: 30209399 (2018)), however further evidence is needed to assess the variant's global impact on protein function. This variant has not been reported in large, multi-ethnic general populations (Genome Aggregation Database). Analysis of this variant using bioinformatics tools for the prediction of the effect of amino acid changes on protein structure and function yielded predictions that this variant is damaging. Based on the available information, we are unable to determine the clinical significance of this variant.

Labcorp Genetics (formerly Invitae), Labcorp
Classification: Uncertain significance for Hereditary breast ovarian cancer syndrome. Last evaluated: 2023-09-04. Review status: criteria provided, single submitter. Criteria: Invitae Variant Classification Sherloc (09022015). Collection method: clinical testing. Allele origin: germline.
Comment: ClinVar contains an entry for this variant (Variation ID: 646505). In summary, the available evidence is currently insufficient to determine the role of this variant in disease. Therefore, it has been classified as a Variant of Uncertain Significance. Experimental studies have shown that this missense change affects BRCA1 function (PMID: 30209399). Advanced modeling performed at Invitae incorporating data from internal and/or published experimental studies (PMID: 30209399) indicates that this missense variant is expected to disrupt BRCA1 function. This variant has not been reported in the literature in individuals affected with BRCA1-related conditions. This variant is not present in population databases (gnomAD no frequency). This sequence change replaces phenylalanine, which is neutral and non-polar, with cysteine, which is neutral and slightly polar, at codon 1734 of the BRCA1 protein (p.Phe1734Cys).

Ambry Genetics
Classification: Pathogenic for Hereditary cancer-predisposing syndrome. Last evaluated: 2023-07-09. Review status: criteria provided, single submitter. Criteria: Ambry Variant Classification Scheme 2023. Collection method: clinical testing. Allele origin: germline.
Comment: The p.F1734C pathogenic mutation (also known as c.5201T>G), located in coding exon 18 of the BRCA1 gene, results from a T to G substitution at nucleotide position 5201. The phenylalanine at codon 1734 is replaced by cysteine, an amino acid with highly dissimilar properties. One functional study found that this nucleotide substitution is non-functional in a high throughput genome editing haploid cell survival assay (Findlay GM et al. Nature, 2018 Oct;562:217-222). Two other alterations at the same codon, p.F1734L (c.5202T>G) and p.F1734I (c.5200T>A), have been found to be non-functional in a high-throughput, genome editing, haploid cell survival assay (Findlay GM et al. Nature, 2018 10;562:217-222) and based on internal structural analysis, both alterations decrease the structure stability (Wu Q et al. Mol Cell, 2016 Feb;61:434-448). This amino acid position is highly conserved in available vertebrate species. In addition, this alteration is predicted to be deleterious by in silico analysis. This variant is considered to be rare based on population cohorts in the Genome Aggregation Database (gnomAD). Based on the supporting evidence, this alteration is interpreted as a disease-causing mutation.

Color Diagnostics, LLC DBA Color Health
Classification: Uncertain significance for Hereditary cancer-predisposing syndrome. Last evaluated: 2020-09-28. Review status: criteria provided, single submitter. Criteria: ACMG Guidelines, 2015. Collection method: clinical testing. Allele origin: germline.
Comment: This missense variant replaces phenylalanine with cysteine at codon 1734 of the BRCA1 protein. Computational prediction suggests that this variant may have deleterious impact on protein structure and function (internally defined REVEL score threshold >= 0.7, PMID: 27666373). A functional study has shown that the variant protein is non-functional and leads to decreased cell survival in a human haploid cell line-based assay (PMID: 30209399). This variant has not been reported in individuals affected with hereditary cancer in the literature. This variant has not been identified in the general population by the Genome Aggregation Database (gnomAD). The available evidence is insufficient to determine the role of this variant in disease conclusively. Therefore, this variant is classified as a Variant of Uncertain Significance.

Brotman Baty Institute, University of Washington
No classification provided (evidence only). Condition: Breast-ovarian cancer, familial 1. Review status: no classification provided. Collection method: in vitro. Allele origin: not applicable. Functional consequence: functionally_abnormal. Not counted in ClinVar's aggregate classification.
ClinVar note: "not provided" was previously submitted as the classification for the variant. However, the classification appeared to be based only on an observation of functional data so it was converted to no classification on 2025-07-30.

Literature cited by the submitters: PubMed 30209399 (cited by 3 submitters).

NM_007294.4(BRCA1):c.5201T>G (p.Phe1734Cys)

Gene: BRCA1 (BRCA1 DNA repair associated; minus strand). Cytogenetic location: 17q21.31.
Variant type: single nucleotide variant.
Coding change: c.5201T>G on transcript NM_007294.4 (MANE Select); coding-DNA position 5201, T replaced by G.
Protein change: p.Phe1734Cys; replaces phenylalanine 1734 with cysteine.
Molecular consequence: missense variant. On other transcripts: non-coding transcript variant (1).
Genome position (GRCh38, 1-based): chr17:43,057,128, A>C on the plus strand (T>G on the coding strand, the complement: BRCA1 is on the minus strand). VCF-style: chr17-43057128-A-C. GRCh37 (hg19) VCF-style: chr17-41209145-A-C.
Other names: c.4988T>G, p.Phe1663Cys (NM_001407571.1, NM_001407900.1, NM_001407902.1 and 12 more transcripts); c.5267T>G, p.Phe1756Cys (NM_001407581.1, NM_001407582.1); c.5264T>G, p.Phe1755Cys (NM_001407583.1, NM_001407585.1, NM_001407587.1 and 1 more transcripts); c.5198T>G, p.Phe1733Cys (NM_001407610.1, NM_001407611.1, NM_001407612.1 and 17 more transcripts); c.5195T>G, p.Phe1732Cys (NM_001407629.1, NM_001407630.1, NM_001407631.1 and 14 more transcripts); c.5141T>G, p.Phe1714Cys (NM_001407649.1); c.5123T>G, p.Phe1708Cys (NM_001407652.1, NM_001407653.1, NM_001407654.1 and 1 more transcripts); c.5120T>G, p.Phe1707Cys (NM_001407656.1, NM_001407657.1, NM_001407658.1); and 72 more; short protein forms F1687C, F1734C, F630C, F1755C, F1565C, F1621C, F1645C, F1664C.
Identifiers: ClinVar variation 646505 (VCV000646505.17), dbSNP rs397509237, ClinGen allele CA10591132.